The following is an entry in ClinVar:

ClinVar aggregate classification (germline): Uncertain significance (1 of 4 stars; one submission).

Conditions:
Inborn genetic diseases. Identifiers: MedGen C0950123, MeSH D030342.

Submission:

Ambry Genetics
Classification: Uncertain significance for Inborn genetic diseases. Last evaluated: 2025-04-28. Review status: criteria provided, single submitter. Criteria: Ambry Variant Classification Scheme 2023. Collection method: clinical testing. Allele origin: germline.
Comment: The p.N148K variant (also known as c.444C>A), located in coding exon 4 of the PAX5 gene, results from a C to A substitution at nucleotide position 444. The asparagine at codon 148 is replaced by lysine, an amino acid with similar properties. This amino acid position is conserved. In addition, the in silico prediction for this alteration is inconclusive. Based on the available evidence, the clinical significance of this variant remains unclear.

NM_016734.3(PAX5):c.444C>A (p.Asn148Lys)

Genes: PAX5 (paired box 5; minus strand), LOC105376032 (uncharacterized LOC105376032; plus strand). Cytogenetic location: 9p13.2.
Variant type: single nucleotide variant.
Coding change: c.444C>A on transcript NM_016734.3 (MANE Select); coding-DNA position 444, C replaced by A.
Protein change: p.Asn148Lys; replaces asparagine 148 with lysine.
Molecular consequence: missense variant. On other transcripts: non-coding transcript variant (2).
Genome position (GRCh38, 1-based): chr9:37,006,504, G>T on the plus strand (C>A on the coding strand, the complement: PAX5 is on the minus strand). VCF-style: chr9-37006504-G-T. GRCh37 (hg19) VCF-style: chr9-37006501-G-T.
Other names: c.444C>A, p.Asn148Lys (NM_001280547.2, NM_001280548.2, NM_001280549.2 and 4 more transcripts); c.120C>A, p.Asn40Lys (NM_001280551.2, NM_001280556.2); c.246C>A, p.Asn82Lys (NM_001280555.2); short protein forms N148K, N40K, N82K.
Identifiers: ClinVar variation 3928308 (VCV003928308.1).